The following is an entry in ClinVar:

NM_052945.4(TNFRSF13C):c.101C>T (p.Ala34Val)

Genes: TNFRSF13C (TNF receptor superfamily member 13C; minus strand), LOC130067574 (ATAC-STARR-seq lymphoblastoid silent region 13813; plus strand). Cytogenetic location: 22q13.2.
Variant type: single nucleotide variant.
Coding change: c.101C>T on transcript NM_052945.4 (MANE Select); coding-DNA position 101, C replaced by T.
Protein change: p.Ala34Val; replaces alanine 34 with valine.
Molecular consequence: missense variant.
Genome position (GRCh38, 1-based): chr22:41,926,673, G>A on the plus strand (C>T on the coding strand, the complement: TNFRSF13C is on the minus strand). VCF-style: chr22-41926673-G-A. GRCh37 (hg19) VCF-style: chr22-42322677-G-A.
Other names: short protein forms A34V.
Identifiers: ClinVar variation 2132352 (VCV002132352.4), dbSNP rs777204893, ClinGen allele CA411763589.

ClinVar aggregate classification (germline): Uncertain significance (1 of 4 stars; one submission).

Conditions:
Immunodeficiency, common variable, 4. Also called: ANTIBODY DEFICIENCY DUE TO BAFFR DEFECT. Identifiers: Orphanet 1572, Orphanet 696925, MedGen C3150739, MONDO:0013284, OMIM 613494.

Submission:

Labcorp Genetics (formerly Invitae), Labcorp
Classification: Uncertain significance for Immunodeficiency, common variable, 4. Last evaluated: 2022-04-30. Review status: criteria provided, single submitter. Criteria: Invitae Variant Classification Sherloc (09022015). Collection method: clinical testing. Allele origin: germline.
Comment: In summary, the available evidence is currently insufficient to determine the role of this variant in disease. Therefore, it has been classified as a Variant of Uncertain Significance. Algorithms developed to predict the effect of missense changes on protein structure and function are either unavailable or do not agree on the potential impact of this missense change (SIFT: "Deleterious"; PolyPhen-2: "Possibly Damaging"; Align-GVGD: "Class C0"). This sequence change replaces alanine, which is neutral and non-polar, with valine, which is neutral and non-polar, at codon 34 of the TNFRSF13C protein (p.Ala34Val). This variant is not present in population databases (gnomAD no frequency). This variant has not been reported in the literature in individuals affected with TNFRSF13C-related conditions.